The following is an entry in ClinVar:

NM_000126.4(ETFA):c.655del (p.Val219fs)

Gene: ETFA (electron transfer flavoprotein subunit alpha; minus strand). Cytogenetic location: 15q24.2.
Variant type: Deletion.
Coding change: c.655del on transcript NM_000126.4 (MANE Select); coding-DNA position 655, one base deleted (G; older notation c.655delG).
Protein change: p.Val219fs; shifts the reading frame from valine 219.
Molecular consequence: frameshift variant.
Genome position (GRCh38, 1-based): chr15:76,285,646, C deleted on the plus strand (G on the coding strand, the reverse complement: ETFA is on the minus strand); the first of 2 consecutive C bases (chr15:76,285,646-76,285,647); deleting either gives the same sequence. VCF-style (leftmost placement, unchanged base first): chr15-76285645-AC-A. GRCh37 (hg19) VCF-style: chr15-76577986-AC-A.
Other names: c.508del, p.Val170fs (NM_001127716.2); short protein forms V170fs, V219fs.
Identifiers: ClinVar variation 4817475 (VCV004817475.1).

ClinVar aggregate classification (germline): Likely pathogenic (1 of 4 stars; one submission).

Conditions:
Glutaric acidemia type 2A.

Submission:

Natera, Inc.
Classification: Likely pathogenic for Glutaric acidemia type 2A. Last evaluated: 2025-08-08. Review status: criteria provided, single submitter. Criteria: Natera Variant Classification Schema (03/2026). Collection method: clinical testing. Allele origin: germline.
Comment: The c.655del variant in ETFA is a frameshift variant predicted to shift the reading frame beginning at codon 219 and leads to a stop codon 7 codons downstream. This variant is expected to result in nonsense mediated decay, truncation, or a dysfunctional protein product. This variant is rare in the general population with a frequency below the threshold expected for the associated phenotype(s). Given the available evidence, this variant is classified as Likely Pathogenic.